The following is an entry in ClinVar:

ClinVar aggregate classification (germline): Uncertain significance. Review status: criteria provided, multiple submitters, no conflicts (2 of 4 stars). 3 submissions from 3 submitters: Uncertain significance (3). Last evaluated 2023-04-25.

Conditions:
Inborn genetic diseases. Identifiers: MedGen C0950123, MeSH D030342.
COG7 congenital disorder of glycosylation (CDG2E). Also called: CDG IIe; CONGENITAL DISORDER OF GLYCOSYLATION, TYPE IIe. Identifiers: Orphanet 79333, MedGen C2931010, MONDO:0012118, OMIM 608779.
COG7-related disorder. Also called: COG7-related condition.

Allele frequency attached by ClinVar (database versions not stated): ExAC 0.00003; gnomAD 0.00003; TOPMed 0.00003; gnomAD exomes 0.00004.
gnomAD v4.1: 25 of 1,613,878 alleles (0.0015%); highest among the groups gnomAD compares: Admixed American, 0.042%; no homozygotes.

Submissions (3):

PreventionGenetics, part of Exact Sciences
Classification: Uncertain significance for COG7-related condition. Last evaluated: 2023-04-25. Review status: criteria provided, single submitter. Criteria: ACMG Guidelines, 2015. Collection method: clinical testing. Allele origin: germline.
Comment: The COG7 c.1563G>C variant is predicted to result in the amino acid substitution p.Lys521Asn. To our knowledge, this variant has not been reported in the literature. This variant is reported in 0.052% of alleles in individuals of Latino descent in gnomAD which may be too frequent for an unreported cause of disease. Although we suspect that this variant may be benign, at this time, the clinical significance of this variant is uncertain due to the absence of conclusive functional and genetic evidence.

Labcorp Genetics (formerly Invitae), Labcorp
Classification: Uncertain significance for COG7 congenital disorder of glycosylation. Last evaluated: 2022-04-16. Review status: criteria provided, single submitter. Criteria: Invitae Variant Classification Sherloc (09022015). Collection method: clinical testing. Allele origin: germline.
Comment: This sequence change replaces lysine, which is basic and polar, with asparagine, which is neutral and polar, at codon 521 of the COG7 protein (p.Lys521Asn). This variant is present in population databases (rs773660021, gnomAD 0.06%). This variant has not been reported in the literature in individuals affected with COG7-related conditions. Algorithms developed to predict the effect of missense changes on protein structure and function (SIFT, PolyPhen-2, Align-GVGD) all suggest that this variant is likely to be tolerated. In summary, the available evidence is currently insufficient to determine the role of this variant in disease. Therefore, it has been classified as a Variant of Uncertain Significance.

Ambry Genetics
Classification: Uncertain significance for Inborn genetic diseases. Last evaluated: 2021-10-20. Review status: criteria provided, single submitter. Criteria: Ambry Variant Classification Scheme 2023. Collection method: clinical testing. Allele origin: germline.

NM_153603.4(COG7):c.1563G>C (p.Lys521Asn)

Gene: COG7 (component of oligomeric golgi complex 7; minus strand). Cytogenetic location: 16p12.2.
Variant type: single nucleotide variant.
Coding change: c.1563G>C on transcript NM_153603.4 (MANE Select); coding-DNA position 1563, G replaced by C.
Protein change: p.Lys521Asn; replaces lysine 521 with asparagine.
Molecular consequence: missense variant.
Genome position (GRCh38, 1-based): chr16:23,406,175, C>G on the plus strand (G>C on the coding strand, the complement: COG7 is on the minus strand). VCF-style: chr16-23406175-C-G. GRCh37 (hg19) VCF-style: chr16-23417496-C-G.
Other names: c.1563G>C (NM_153603.3); short protein forms K521N.
Identifiers: ClinVar variation 2194007 (VCV002194007.3), dbSNP rs773660021, ClinGen allele CA7960933.